The following is an entry in ClinVar:

ClinVar aggregate classification (germline): Uncertain significance. Review status: criteria provided, single submitter (1 of 4 stars). 2 submissions from 2 submitters: Uncertain significance (1). 1 of the submissions does not count toward it. Last evaluated 2025-05-05.

Conditions:
CACNA1F-related disorder. Also called: CACNA1F-related condition.

Submissions (2):

Labcorp Genetics (formerly Invitae), Labcorp
Classification: Uncertain significance. Last evaluated: 2025-05-05. Review status: criteria provided, single submitter. Criteria: Invitae Variant Classification Sherloc (09022015). Collection method: clinical testing. Allele origin: germline.
Comment: This sequence change replaces arginine, which is basic and polar, with tryptophan, which is neutral and slightly polar, at codon 998 of the CACNA1F protein (p.Arg998Trp). This variant is not present in population databases (gnomAD no frequency). This missense change has been observed in individual(s) with incomplete congenital stationary night blindness (PMID: 30825406). ClinVar contains an entry for this variant (Variation ID: 2419204). Invitae Evidence Modeling of protein sequence and biophysical properties (such as structural, functional, and spatial information, amino acid conservation, physicochemical variation, residue mobility, and thermodynamic stability) indicates that this missense variant is not expected to disrupt CACNA1F protein function with a negative predictive value of 80%. In summary, the available evidence is currently insufficient to determine the role of this variant in disease. Therefore, it has been classified as a Variant of Uncertain Significance.

PreventionGenetics, part of Exact Sciences
Classification: Uncertain significance for CACNA1F-related condition. Last evaluated: 2024-09-05. Review status: no assertion criteria provided. Collection method: clinical testing. Allele origin: germline. Not counted in ClinVar's aggregate classification.
Comment: The CACNA1F c.2992C>T variant is predicted to result in the amino acid substitution p.Arg998Trp. This variant was reported in an individual with retinal disease (Zeitz et al. 2019. PubMed ID: 30825406). This variant has not been reported in a large population database, indicating this variant is rare. Although we suspect that this variant may be pathogenic, at this time, the clinical significance of this variant is uncertain due to the absence of conclusive functional and genetic evidence.

Literature cited by the submitters: PubMed 30825406 (cited by Labcorp Genetics (formerly Invitae), Labcorp).

NM_001256789.3(CACNA1F):c.2959C>T (p.Arg987Trp)

Gene: CACNA1F (calcium voltage-gated channel subunit alpha1 F; minus strand). Cytogenetic location: Xp11.23.
Variant type: single nucleotide variant.
Coding change: c.2959C>T on transcript NM_001256789.3 (MANE Select); coding-DNA position 2959, C replaced by T.
Protein change: p.Arg987Trp; replaces arginine 987 with tryptophan.
Molecular consequence: missense variant.
Genome position (GRCh38, 1-based): chrX:49,217,975, G>A on the plus strand (C>T on the coding strand, the complement: CACNA1F is on the minus strand). VCF-style: chrX-49217975-G-A. GRCh37 (hg19) VCF-style: chrX-49074434-G-A.
Other names: c.2797C>T, p.Arg933Trp (NM_001256790.3); c.2992C>T, p.Arg998Trp (NM_005183.4); c.2992C>T (NM_005183.3); short protein forms R933W, R987W, R998W.
Identifiers: ClinVar variation 2419204 (VCV002419204.7), dbSNP rs782512273, ClinGen allele CA412964487.